The following is an entry in ClinVar:

NM_020975.6(RET):c.2515G>A (p.Asp839Asn)

Gene: RET (ret proto-oncogene; plus strand). Cytogenetic location: 10q11.21.
Variant type: single nucleotide variant.
Coding change: c.2515G>A on transcript NM_020975.6 (MANE Select); coding-DNA position 2515, G replaced by A.
Protein change: p.Asp839Asn; replaces aspartic acid 839 with asparagine.
Molecular consequence: missense variant.
Genome position (GRCh38, 1-based): chr10:43,119,653, G>A. VCF-style: chr10-43119653-G-A. GRCh37 (hg19) VCF-style: chr10-43615101-G-A.
Other names: c.2515G>A, p.Asp839Asn (NM_000323.2, NM_001406743.1, NM_001406744.1 and 4 more transcripts); c.1753G>A, p.Asp585Asn (NM_001355216.2); c.2386G>A, p.Asp796Asn (NM_001406761.1, NM_001406762.1, NM_001406764.1); c.2380G>A, p.Asp794Asn (NM_001406763.1, NM_001406765.1); c.2227G>A, p.Asp743Asn (NM_001406766.1, NM_001406767.1, NM_001406770.1); c.2251G>A, p.Asp751Asn (NM_001406768.1); c.2119G>A, p.Asp707Asn (NM_001406769.1, NM_001406772.1); c.2077G>A, p.Asp693Asn (NM_001406771.1, NM_001406773.1); and 10 more; short protein forms D404N, D500N, D693N, D356N, D444N, D495N, D497N, D585N.
Identifiers: ClinVar variation 1792463 (VCV001792463.11), dbSNP rs1838160779, ClinGen allele CA376556423.

ClinVar aggregate classification (germline): Uncertain significance. Review status: criteria provided, multiple submitters, no conflicts (2 of 4 stars). 4 submissions from 4 submitters: Uncertain significance (4). Last evaluated 2025-04-10.

Conditions:
Multiple endocrine neoplasia, type 2 (MEN2). Identifiers: Orphanet 653, MedGen C4048306, MONDO:0019003. Disease mechanism: gain of function.
Hereditary cancer-predisposing syndrome. Also called: Hereditary Cancer Syndrome; Hereditary neoplastic syndrome; Tumor predisposition; Neoplastic Syndromes, Hereditary. Identifiers: Orphanet 140162, MedGen C0027672, MeSH D009386, MONDO:0015356.
Hirschsprung disease, susceptibility to, 1 (HSCR1). Also called: RET-Related Hirschsprung Disease. Identifiers: Orphanet 388, MedGen C3888239, MONDO:0007723, OMIM 142623.

Submissions (4):

Labcorp Genetics (formerly Invitae), Labcorp
Classification: Uncertain significance for Multiple endocrine neoplasia, type 2. Last evaluated: 2025-04-10. Review status: criteria provided, single submitter. Criteria: Invitae Variant Classification Sherloc (09022015). Collection method: clinical testing. Allele origin: germline.
Comment: This sequence change replaces aspartic acid, which is acidic and polar, with asparagine, which is neutral and polar, at codon 839 of the RET protein (p.Asp839Asn). This variant is not present in population databases (gnomAD no frequency). This variant has not been reported in the literature in individuals affected with RET-related conditions. ClinVar contains an entry for this variant (Variation ID: 1792463). An algorithm developed to predict the effect of missense changes on protein structure and function (PolyPhen-2) suggests that this variant is likely to be disruptive. In summary, the available evidence is currently insufficient to determine the role of this variant in disease. Therefore, it has been classified as a Variant of Uncertain Significance.

Baylor Genetics
Classification: Uncertain significance for Hirschsprung disease, susceptibility to, 1. Last evaluated: 2024-03-13. Review status: criteria provided, single submitter. Criteria: ACMG Guidelines, 2015. Collection method: clinical testing. Allele origin: unknown.

All of Us Research Program, National Institutes of Health
Classification: Uncertain significance for Multiple endocrine neoplasia, type 2. Last evaluated: 2023-03-09. Review status: criteria provided, single submitter. Criteria: ACMG Guidelines, 2015. Collection method: clinical testing. Allele origin: germline. Inheritance: Autosomal dominant inheritance. Observed: 1 variant allele, 1 heterozygote.
Comment: This missense variant replaces aspartic acid with asparagine at codon 839 of the RET protein. Computational prediction suggests that this variant may not impact protein structure and function (internally defined REVEL score threshold <= 0.5, PMID: 27666373). To our knowledge, functional studies have not been reported for this variant. This variant has not been reported in individuals affected with hereditary cancer in the literature. This variant has not been identified in the general population by the Genome Aggregation Database (gnomAD). The available evidence is insufficient to determine the role of this variant in disease conclusively. Therefore, this variant is classified as a Variant of Uncertain Significance.

This study involves interpretation of variants in research participants for the purpose of population health screening. Participant phenotype was not available at the time of variant classification. Additional details can be found in publication PMID: 35346344, PMCID: PMC8962531

Ambry Genetics
Classification: Uncertain significance for Hereditary cancer-predisposing syndrome. Last evaluated: 2021-07-29. Review status: criteria provided, single submitter. Criteria: Ambry Variant Classification Scheme 2023. Collection method: clinical testing. Allele origin: germline.
Comment: The p.D839N variant (also known as c.2515G>A), located in coding exon 14 of the RET gene, results from a G to A substitution at nucleotide position 2515. The aspartic acid at codon 839 is replaced by asparagine, an amino acid with highly similar properties. This amino acid position is well conserved in available vertebrate species. In addition, the in silico prediction for this alteration is inconclusive. Since supporting evidence is limited at this time, the clinical significance of this alteration remains unclear.